The following is an entry in ClinVar:

ClinVar aggregate classification (germline): Pathogenic. Review status: criteria provided, multiple submitters, no conflicts (2 of 4 stars). 10 submissions from 10 submitters: Pathogenic (9). 1 of the submissions does not count toward it. Last evaluated 2025-10-20.

Conditions:
Argininosuccinate lyase deficiency. Also called: ARGININOSUCCINIC ACID LYASE DEFICIENCY; ASL DEFICIENCY; Argininosuccinic aciduria. Identifiers: Orphanet 23, MedGen C0268547, MONDO:0008815, OMIM 207900, HP:0025630.

Allele frequency attached by ClinVar (database versions not stated): ExAC 0.00001; gnomAD exomes 0.00002.
gnomAD v4.1: 22 of 1,606,586 alleles (0.0014%); highest among the groups gnomAD compares: South Asian, 0.011%; no homozygotes.

Submissions (10):

GeneDx
Classification: Pathogenic. Last evaluated: 2025-10-20. Review status: criteria provided, single submitter. Criteria: GeneDx Variant Classification Process June 2021. Collection method: clinical testing. Allele origin: germline. Affected: yes.
Comment: Observed in apparent homozygous state or with a second ASL variant, phase not specified, in unrelated patients with clinical and biochemical features of argininosuccinic aciduria in the literature (PMID: 24166829, 17326097); Nonsense variant predicted to result in protein truncation [or nonsense mediated decay] in a gene for which loss of function is a known mechanism of disease; This variant is associated with the following publications: (PMID: 25525159, 17326097, 33514801, 31183366, 30285816, 24166829)

Natera, Inc.
Classification: Pathogenic for Argininosuccinate lyase deficiency. Last evaluated: 2025-09-12. Review status: criteria provided, single submitter. Criteria: Natera Variant Classification Schema (03/2026). Collection method: clinical testing. Allele origin: germline.
Comment: The c.637C>T variant in ASL is a nonsense variant predicted to introduce a stop codon at amino acid 213. This variant is expected to result in nonsense mediated decay, truncation, or a dysfunctional protein product. This variant is rare in the general population with a frequency below the threshold expected for the associated phenotype(s). This variant has been observed in one or more individuals affected with the associated recessive disease, as either homozygous or compound heterozygous with a second variant (PMID: 24166829). Given the available evidence, this variant is classified as Pathogenic.

CeGaT Center for Human Genetics Tuebingen
Classification: Pathogenic. Last evaluated: 2025-05-01. Review status: criteria provided, single submitter. Criteria: CeGaT Center For Human Genetics Tuebingen Variant Classification Criteria Version 2. Collection method: clinical testing. Allele origin: germline. Affected: yes. Observed: 3 variant alleles.
Comment: ASL: PVS1, PM3:Strong, PM2, PP4

Labcorp Genetics (formerly Invitae), Labcorp
Classification: Pathogenic for Argininosuccinate lyase deficiency. Last evaluated: 2024-03-03. Review status: criteria provided, single submitter. Criteria: Invitae Variant Classification Sherloc (09022015). Collection method: clinical testing. Allele origin: germline.
Comment: This sequence change creates a premature translational stop signal (p.Arg213*) in the ASL gene. It is expected to result in an absent or disrupted protein product. Loss-of-function variants in ASL are known to be pathogenic (PMID: 2263616, 24166829). This variant is present in population databases (rs761651320, gnomAD 0.01%). This premature translational stop signal has been observed in individual(s) with argininosuccinate lyase deficiency (PMID: 17326097, 30285816, 31183366). ClinVar contains an entry for this variant (Variation ID: 426366). Algorithms developed to predict the effect of sequence changes on RNA splicing suggest that this variant may disrupt the consensus splice site. For these reasons, this variant has been classified as Pathogenic.

Baylor Genetics
Classification: Pathogenic for Argininosuccinate lyase deficiency. Last evaluated: 2024-02-13. Review status: criteria provided, single submitter. Criteria: ACMG Guidelines, 2015. Collection method: clinical testing. Allele origin: unknown.

Fulgent Genetics
Classification: Pathogenic for Argininosuccinate lyase deficiency. Last evaluated: 2022-01-05. Review status: criteria provided, single submitter. Criteria: ACMG Guidelines, 2015. Collection method: clinical testing. Allele origin: unknown.

Illumina Laboratory Services, Illumina
Classification: Pathogenic for Argininosuccinate lyase deficiency. Last evaluated: 2021-07-16. Review status: criteria provided, single submitter. Criteria: ICSLVariantClassificationCriteria RUGD 01 April 2020. Collection method: clinical testing. Allele origin: unknown.
Comment: The ASL c.637C>T (p.Arg213Ter) variant is a stop-gained variant that is predicted to result in a premature termination or absence of the protein. The p.Arg213Ter variant is reported in at least eight individuals with argininosuccinate lyase deficiency, including in a homozygous state in one individual and in a compound heterozygous state, most often with a missense variant, in at least seven individuals (Trevisson et al. 2007; Balmer et al. 2014; Bijarnia-Mahay et al. 2018; Zhao et al. 2019; Zhang et al. 2021; Kido et al. 2021). Commonly reported phenotypic features in these individuals included hyperammonemia, elevated argininosuccinic acid, intellectual disability, epilepsy, and hepatic disease. The p.Arg213Ter variant is reported at a frequency of 0.000163 in the South Asian population of the Genome Aggregation Database (version 2.1.1). Transfection of the ASL p.Arg213Ter variant into HEK293T cells resulted in a significantly reduced enzyme activity as compared to cells transfected with the wild type protein (Zhao et al. 2019). Based on the available evidence, the p.Arg213Ter variant is classified as pathogenic for argininosuccinate lyase deficiency.

Women's Health and Genetics/Laboratory Corporation of America, LabCorp
Classification: Pathogenic for Argininosuccinate lyase deficiency. Last evaluated: 2017-08-03. Review status: criteria provided, single submitter. Criteria: LabCorp Variant Classification Summary - May 2015. Collection method: clinical testing. Allele origin: germline.
Comment: Variant summary: The ASL c.637C>T (p.Arg213X) variant results in a premature termination codon, predicted to cause a truncated or absent ASL protein due to nonsense mediated decay, which are commonly known mechanisms for disease. This variant was found in 1/118802 control chromosomes at a frequency of 0.0000084, which does not exceed the estimated maximal expected allele frequency of a pathogenic ASL variant (0.0042258). Multiple publications have cited the variant in affected compound heterozygotes and homozygote individuals. In addition, multiple clinical diagnostic laboratories classified this variant as pathogenic. Taken together, this variant is classified as pathogenic.

Eurofins Ntd Llc (ga)
Classification: Pathogenic. Last evaluated: 2016-11-30. Review status: criteria provided, single submitter. Criteria: EGL Classification Definitions 2015. Collection method: clinical testing. Allele origin: germline. Observed: 1 variant allele, 1 heterozygote.

Counsyl
Classification: Pathogenic for Argininosuccinate lyase deficiency. Last evaluated: 2017-08-01. Review status: no assertion criteria provided. Collection method: clinical testing. Allele origin: unknown. Not counted in ClinVar's aggregate classification.

Literature cited by the submitters: PubMed 24166829 (cited by 5 submitters); PubMed 2263616 (cited by Labcorp Genetics (formerly Invitae), Labcorp); PubMed 17326097 (cited by 3 submitters); PubMed 30285816 (cited by Labcorp Genetics (formerly Invitae), Labcorp and Illumina Laboratory Services, Illumina); PubMed 31183366 (cited by Labcorp Genetics (formerly Invitae), Labcorp and Illumina Laboratory Services, Illumina); PubMed 33514801 (cited by Illumina Laboratory Services, Illumina); PubMed 33851512 (cited by Illumina Laboratory Services, Illumina).

NM_000048.4(ASL):c.637C>T (p.Arg213Ter)

Gene: ASL (argininosuccinate lyase; plus strand). Cytogenetic location: 7q11.21.
Variant type: single nucleotide variant.
Coding change: c.637C>T on transcript NM_000048.4 (MANE Select); coding-DNA position 637, C replaced by T.
Protein change: p.Arg213Ter; replaces arginine 213 with a stop codon.
Molecular consequence: nonsense.
Genome position (GRCh38, 1-based): chr7:66,087,368, C>T. VCF-style: chr7-66087368-C-T. GRCh37 (hg19) VCF-style: chr7-65552355-C-T.
Other names: c.637C>T, p.Arg213Ter (NM_001024943.2, NM_001024944.2); c.559C>T, p.Arg187Ter (NM_001024946.2); short protein forms R213*, R187*.
Identifiers: ClinVar variation 426366 (VCV000426366.35), dbSNP rs761651320, ClinGen allele CA4277059.